The following is an entry in ClinVar:

NM_014989.7(RIMS1):c.49C>T (p.Pro17Ser)

Gene: RIMS1 (regulating synaptic membrane exocytosis 1; plus strand). Cytogenetic location: 6q13.
Variant type: single nucleotide variant.
Coding change: c.49C>T on transcript NM_014989.7 (MANE Select); coding-DNA position 49, C replaced by T.
Protein change: p.Pro17Ser; replaces proline 17 with serine.
Molecular consequence: missense variant.
Genome position (GRCh38, 1-based): chr6:71,887,072, C>T. VCF-style: chr6-71887072-C-T. GRCh37 (hg19) VCF-style: chr6-72596775-C-T.
Other names: c.49C>T, p.Pro17Ser (NM_001350411.1, NM_001350412.1, NM_001350413.1); short protein forms P17S.
Identifiers: ClinVar variation 2071631 (VCV002071631.4), dbSNP rs772961215, ClinGen allele CA3885372.
Genomic context (GRCh38, chr6:71,887,072, plus strand): 5'-CAGGCCACGAAAATGTCCTCGGCCGTGGGGCCCCGCGGTCCTCGCCCACCCACGGTGCCT[C>T]CCCCCATGCAAGAGCTGCCCGACCTGAGCCACCTGACCGAAGAGGAGAGGAACATTATCA-3'
Protein context (NP_055804.2, residues 7-27): PRGPRPPTVP[Pro17Ser]PMQELPDLSH

ClinVar aggregate classification (germline): Uncertain significance (1 of 4 stars; one submission).

Allele frequency attached by ClinVar (database versions not stated): ExAC 0.00001; TOPMed 0.00001.
gnomAD v4.1: 3 of 1,613,406 alleles (0.00019%); highest among the groups gnomAD compares: Admixed American, 0.0017%; no homozygotes.

Submission:

Labcorp Genetics (formerly Invitae), Labcorp
Classification: Uncertain significance. Last evaluated: 2024-04-06. Review status: criteria provided, single submitter. Criteria: Invitae Variant Classification Sherloc (09022015). Collection method: clinical testing. Allele origin: germline.
Comment: This sequence change replaces proline, which is neutral and non-polar, with serine, which is neutral and polar, at codon 17 of the RIMS1 protein (p.Pro17Ser). This variant is present in population databases (rs772961215, gnomAD 0.003%). This variant has not been reported in the literature in individuals affected with RIMS1-related conditions. ClinVar contains an entry for this variant (Variation ID: 2071631). An algorithm developed to predict the effect of missense changes on protein structure and function (PolyPhen-2) suggests that this variant is likely to be disruptive. In summary, the available evidence is currently insufficient to determine the role of this variant in disease. Therefore, it has been classified as a Variant of Uncertain Significance.